The following is an entry in ClinVar:

ClinVar aggregate classification (germline): Uncertain significance (1 of 4 stars; one submission).

Conditions:
Inborn genetic diseases. Identifiers: MedGen C0950123, MeSH D030342.

Submission:

Ambry Genetics
Classification: Uncertain significance for Inborn genetic diseases. Last evaluated: 2025-02-14. Review status: criteria provided, single submitter. Criteria: Ambry Variant Classification Scheme 2023. Collection method: clinical testing. Allele origin: germline.
Comment: The p.Q365R variant (also known as c.1094A>G), located in coding exon 9 of the CEP57 gene, results from an A to G substitution at nucleotide position 1094. The glutamine at codon 365 is replaced by arginine, an amino acid with highly similar properties. This amino acid position is conserved. In addition, this alteration is predicted to be tolerated by in silico analysis. Based on the available evidence, the clinical significance of this variant remains unclear.

NM_014679.5(CEP57):c.1094A>G (p.Gln365Arg)

Gene: CEP57 (centrosomal protein 57; plus strand). Cytogenetic location: 11q21.
Variant type: single nucleotide variant.
Coding change: c.1094A>G on transcript NM_014679.5 (MANE Select); coding-DNA position 1094, A replaced by G.
Protein change: p.Gln365Arg; replaces glutamine 365 with arginine.
Molecular consequence: missense variant.
Genome position (GRCh38, 1-based): chr11:95,827,994, A>G. VCF-style: chr11-95827994-A-G. GRCh37 (hg19) VCF-style: chr11-95561158-A-G.
Other names: c.1067A>G, p.Gln356Arg (NM_001243776.2); c.1016A>G, p.Gln339Arg (NM_001243777.2); c.1013A>G, p.Gln338Arg (NM_001363604.2); short protein forms Q356R, Q338R, Q339R, Q365R.
Identifiers: ClinVar variation 3831998 (VCV003831998.1).
Genomic context (GRCh38, chr11:95,827,994, plus strand): 5'-AGTTGTCAGTAACACCTCCCTCCTCCAACGGTATTAATGAGGAGTTGTCAGAAGTCTTAC[A>G]GACTTTACAGGATGAATTTGGGCAAATGAGCTTGTGAGTTTTTGTTTTTTTTTTTAAATT-3'
Protein context (NP_055494.2, residues 355-375): GINEELSEVL[Gln365Arg]TLQDEFGQMS